The following is an entry in ClinVar:

ClinVar aggregate classification (germline): Uncertain significance. Review status: criteria provided, multiple submitters, no conflicts (2 of 4 stars). 2 submissions from 2 submitters: Uncertain significance (2). Last evaluated 2026-09-14.

Conditions:
Tatton-Brown-Rahman overgrowth syndrome. Also called: Tatton-Brown-Rahman syndrome; Tall stature-intellectual disability-facial dysmorphism syndrome. Identifiers: Orphanet 404443, MedGen C4014545, MONDO:0014382, OMIM 615879.
DNMT3A-related disorder. Also called: DNMT3A-related disorders; DNMT3A-related condition.

gnomAD v4.1: 7 of 1,612,990 alleles (0.00043%); highest among the groups gnomAD compares: Non-Finnish European, 0.00017%; no homozygotes.

Submissions (2):

PreventionGenetics, part of Exact Sciences
Classification: Uncertain significance for DNMT3A-related condition. Last evaluated: 2026-09-14. Review status: criteria provided, single submitter. Criteria: ACMG Guidelines, 2015. Collection method: clinical testing. Allele origin: germline.
Comment: The DNMT3A c.413C>T variant is predicted to result in the amino acid substitution p.Thr138Ile. To our knowledge, this variant has not been reported in the literature or in a large population database (gnomAD), indicating this variant is rare. At this time, the clinical significance of this variant is uncertain due to the absence of conclusive functional and genetic evidence.

Labcorp Genetics (formerly Invitae), Labcorp
Classification: Uncertain significance for Tatton-Brown-Rahman overgrowth syndrome. Last evaluated: 2025-11-06. Review status: criteria provided, single submitter. Criteria: Invitae Variant Classification Sherloc (09022015). Collection method: clinical testing. Allele origin: germline.
Comment: This sequence change replaces threonine, which is neutral and polar, with isoleucine, which is neutral and non-polar, at codon 138 of the DNMT3A protein (p.Thr138Ile). This variant is not present in population databases (gnomAD no frequency). This variant has not been reported in the literature in individuals affected with DNMT3A-related conditions. Invitae Evidence Modeling of protein sequence and biophysical properties (such as structural, functional, and spatial information, amino acid conservation, physicochemical variation, residue mobility, and thermodynamic stability) indicates that this missense variant is not expected to disrupt DNMT3A protein function with a negative predictive value of 95%. In summary, the available evidence is currently insufficient to determine the role of this variant in disease. Therefore, it has been classified as a Variant of Uncertain Significance.

NM_022552.5(DNMT3A):c.413C>T (p.Thr138Ile)

Gene: DNMT3A (DNA methyltransferase 3 alpha; minus strand). Cytogenetic location: 2p23.3.
Variant type: single nucleotide variant.
Coding change: c.413C>T on transcript NM_022552.5 (MANE Select); coding-DNA position 413, C replaced by T.
Protein change: p.Thr138Ile; replaces threonine 138 with isoleucine.
Molecular consequence: missense variant. On other transcripts: non-coding transcript variant (1).
Genome position (GRCh38, 1-based): chr2:25,282,476, G>A on the plus strand (C>T on the coding strand, the complement: DNMT3A is on the minus strand). VCF-style: chr2-25282476-G-A. GRCh37 (hg19) VCF-style: chr2-25505345-G-A.
Other names: c.413C>T, p.Thr138Ile (NM_001320892.2, NM_175629.2, NM_175630.1); short protein forms T138I.
Identifiers: ClinVar variation 4705120 (VCV004705120.2).